The following is an entry in ClinVar:

ClinVar aggregate classification (germline): Uncertain significance. Review status: criteria provided, multiple submitters, no conflicts (2 of 4 stars). 3 submissions from 3 submitters: Uncertain significance (3). Last evaluated 2025-03-08.

Conditions:
Gastrointestinal stromal tumor. Also called: Gastrointestinal stromal tumor, somatic; Gastrointestinal stroma tumor. Identifiers: Orphanet 44890, MedGen C0238198, MeSH D046152, MONDO:0011719, OMIM 606764, HP:0100723.
Hereditary cancer-predisposing syndrome. Also called: Hereditary Cancer Syndrome; Tumor predisposition; Hereditary neoplastic syndrome; Neoplastic Syndromes, Hereditary. Identifiers: Orphanet 140162, MedGen C0027672, MeSH D009386, MONDO:0015356.

Allele frequency attached by ClinVar (database versions not stated): gnomAD exomes below 0.00001.
gnomAD v4.1: 7 of 1,614,134 alleles (0.00043%); highest among the groups gnomAD compares: Non-Finnish European, 0.00059%; no homozygotes.

Submissions (3):

Ambry Genetics
Classification: Uncertain significance for Hereditary cancer-predisposing syndrome. Last evaluated: 2025-03-08. Review status: criteria provided, single submitter. Criteria: Ambry Variant Classification Scheme 2023. Collection method: clinical testing. Allele origin: germline.
Comment: The p.S1087G variant (also known as c.3259A>G), located in coding exon 22 of the PDGFRA gene, results from an A to G substitution at nucleotide position 3259. The serine at codon 1087 is replaced by glycine, an amino acid with similar properties. This amino acid position is conserved. In addition, the in silico prediction for this alteration is inconclusive. Since supporting evidence is limited at this time, the clinical significance of this alteration remains unclear.

Labcorp Genetics (formerly Invitae), Labcorp
Classification: Uncertain significance for Gastrointestinal stromal tumor. Last evaluated: 2025-01-21. Review status: criteria provided, single submitter. Criteria: Invitae Variant Classification Sherloc (09022015). Collection method: clinical testing. Allele origin: germline.
Comment: This sequence change replaces serine, which is neutral and polar, with glycine, which is neutral and non-polar, at codon 1087 of the PDGFRA protein (p.Ser1087Gly). This variant is not present in population databases (gnomAD no frequency). This variant has not been reported in the literature in individuals affected with PDGFRA-related conditions. ClinVar contains an entry for this variant (Variation ID: 1058168). An algorithm developed to predict the effect of missense changes on protein structure and function (PolyPhen-2) suggests that this variant is likely to be disruptive. In summary, the available evidence is currently insufficient to determine the role of this variant in disease. Therefore, it has been classified as a Variant of Uncertain Significance.

GeneDx
Classification: Uncertain significance. Last evaluated: 2025-01-07. Review status: criteria provided, single submitter. Criteria: GeneDx Variant Classification Process June 2021. Collection method: clinical testing. Allele origin: germline.
Comment: Not observed at significant frequency in large population cohorts (gnomAD); In silico analysis indicates that this missense variant does not alter protein structure/function; Has not been previously published as pathogenic or benign to our knowledge

NM_006206.6(PDGFRA):c.3259A>G (p.Ser1087Gly)

Gene: PDGFRA (platelet derived growth factor receptor alpha; plus strand). Cytogenetic location: 4q12.
Variant type: single nucleotide variant.
Coding change: c.3259A>G on transcript NM_006206.6 (MANE Select); coding-DNA position 3259, A replaced by G.
Protein change: p.Ser1087Gly; replaces serine 1087 with glycine.
Molecular consequence: missense variant.
Genome position (GRCh38, 1-based): chr4:54,295,261, A>G. VCF-style: chr4-54295261-A-G. GRCh37 (hg19) VCF-style: chr4-55161428-A-G.
Other names: c.3259A>G (NM_006206.4); c.3334A>G, p.Ser1112Gly (NM_001347828.2); c.3259A>G, p.Ser1087Gly (NM_001347829.2); c.3298A>G, p.Ser1100Gly (NM_001347830.2); short protein forms S1087G, S1100G, S1112G.
Identifiers: ClinVar variation 1058168 (VCV001058168.14), dbSNP rs2110359113, ClinGen allele CA356896742.